The following is an entry in ClinVar:

NM_000132.4(F8):c.379del (p.Ala127fs)

Gene: F8 (coagulation factor VIII; minus strand). Cytogenetic location: Xq28.
Variant type: Deletion.
Coding change: c.379del on transcript NM_000132.4 (MANE Select); coding-DNA position 379, one base deleted (G; older notation c.379delG).
Protein change: p.Ala127fs; shifts the reading frame from alanine 127.
Molecular consequence: frameshift variant.
Genome position (GRCh38, 1-based): chrX:154,996,982, C deleted on the plus strand (G on the coding strand, the reverse complement: F8 is on the minus strand). VCF-style (leftmost placement, unchanged base first): chrX-154996981-GC-G. GRCh37 (hg19) VCF-style: chrX-154225256-GC-G.
Other names: c.379delG (NM_000132.3); short protein forms A127fs.
Identifiers: ClinVar variation 618641 (VCV000618641.9), dbSNP rs1454692506, ClinGen allele CA873357473.

ClinVar aggregate classification (germline): Pathogenic (1 of 4 stars; one submission).

Allele frequency attached by ClinVar (database versions not stated): TOPMed 0.00001.

Submission:

ARUP Laboratories, Molecular Genetics and Genomics, ARUP Laboratories
Classification: Pathogenic. Last evaluated: 2024-04-19. Review status: criteria provided, single submitter. Criteria: ARUP Molecular Germline Variant Investigation Process 2024. Collection method: clinical testing. Allele origin: germline.
Comment: The F8 c.379delG; p.Ala127fs variant (rs1454692506, ClinVar ID: 618641) is reported in the literature in multiple individuals affected with severe hemophilia A (see F8 database and references therein). This variant is absent from the Genome Aggregation Database (v2.1.1), indicating it is not a common polymorphism. This variant creates a frameshift by deleting a single nucleotide, so it is predicted to result in a truncated protein or mRNA subject to nonsense-mediated decay. Based on available information, this variant is considered pathogenic. References: Link to F8 database